The following is an entry in ClinVar:

NM_032273.4(TMEM126A):c.36A>G (p.Ile12Met)

Gene: TMEM126A (transmembrane protein 126A; plus strand). Cytogenetic location: 11q14.1.
Variant type: single nucleotide variant.
Coding change: c.36A>G on transcript NM_032273.4 (MANE Select); coding-DNA position 36, A replaced by G.
Protein change: p.Ile12Met; replaces isoleucine 12 with methionine.
Molecular consequence: missense variant. On other transcripts: intron variant (1).
Genome position (GRCh38, 1-based): chr11:85,650,291, A>G. VCF-style: chr11-85650291-A-G. GRCh37 (hg19) VCF-style: chr11-85361335-A-G.
Other names: c.-125+2202A>G (NM_001244735.2); short protein forms I12M.
Identifiers: ClinVar variation 1003643 (VCV001003643.8), dbSNP rs1242859663, ClinGen allele CA381994800.

ClinVar aggregate classification (germline): Uncertain significance (1 of 4 stars; one submission).

Allele frequency attached by ClinVar (database versions not stated): gnomAD exomes below 0.00001 and 0.00003; gnomAD 0.00001.
gnomAD v4.1: 44 of 1,607,090 alleles (0.0027%); highest among the groups gnomAD compares: East Asian, 0.094%; no homozygotes.

Submission:

Labcorp Genetics (formerly Invitae), Labcorp
Classification: Uncertain significance. Last evaluated: 2024-10-15. Review status: criteria provided, single submitter. Criteria: Invitae Variant Classification Sherloc (09022015). Collection method: clinical testing. Allele origin: germline.
Comment: This sequence change replaces isoleucine, which is neutral and non-polar, with methionine, which is neutral and non-polar, at codon 12 of the TMEM126A protein (p.Ile12Met). The frequency data for this variant in the population databases is considered unreliable, as metrics indicate poor data quality at this position in the gnomAD database. This variant has not been reported in the literature in individuals affected with TMEM126A-related conditions. ClinVar contains an entry for this variant (Variation ID: 1003643). An algorithm developed to predict the effect of missense changes on protein structure and function (PolyPhen-2) suggests that this variant is likely to be tolerated. In summary, the available evidence is currently insufficient to determine the role of this variant in disease. Therefore, it has been classified as a Variant of Uncertain Significance.